The following is an entry in ClinVar:

ClinVar aggregate classification (germline): Uncertain significance (1 of 4 stars; one submission).

Conditions:
Hypertrophic cardiomyopathy. Also called: HYPERTROPHIC MYOCARDIOPATHY. Identifiers: Orphanet 217569, MedGen C0007194, MeSH D002312, MONDO:0005045, HP:0001639.

Submission:

Labcorp Genetics (formerly Invitae), Labcorp
Classification: Uncertain significance for Hypertrophic cardiomyopathy. Last evaluated: 2020-10-08. Review status: criteria provided, single submitter. Criteria: Invitae Variant Classification Sherloc (09022015). Collection method: clinical testing. Allele origin: germline.
Comment: This variant has not been reported in the literature in individuals with TNNI3-related conditions. In summary, the available evidence is currently insufficient to determine the role of this variant in disease. Therefore, it has been classified as a Variant of Uncertain Significance. Algorithms developed to predict the effect of missense changes on protein structure and function are either unavailable or do not agree on the potential impact of this missense change (SIFT: "Deleterious"; PolyPhen-2: "Possibly Damaging"; Align-GVGD: "Class C0"). This variant is not present in population databases (ExAC no frequency). This sequence change replaces lysine with isoleucine at codon 46 of the TNNI3 protein (p.Lys46Ile). The lysine residue is highly conserved and there is a moderate physicochemical difference between lysine and isoleucine.

NM_000363.5(TNNI3):c.137A>T (p.Lys46Ile)

Gene: TNNI3 (troponin I3, cardiac type; minus strand). Cytogenetic location: 19q13.42.
Variant type: single nucleotide variant.
Coding change: c.137A>T on transcript NM_000363.5 (MANE Select); coding-DNA position 137, A replaced by T.
Protein change: p.Lys46Ile; replaces lysine 46 with isoleucine.
Molecular consequence: missense variant.
Genome position (GRCh38, 1-based): chr19:55,156,616, T>A on the plus strand (A>T on the coding strand, the complement: TNNI3 is on the minus strand). VCF-style: chr19-55156616-T-A. GRCh37 (hg19) VCF-style: chr19-55667984-T-A.
Other names: short protein forms K46I.
Identifiers: ClinVar variation 1058707 (VCV001058707.9), dbSNP rs2147285289, ClinGen allele CA407442374.